The following is an entry in ClinVar:

NC_000022.10:g.(?_32150908)_(32174174_?)del

Gene: DEPDC5 (DEP domain containing 5, GATOR1 subcomplex subunit; plus strand). Cytogenetic location: 22q12.2.
Variant type: Deletion.
Identifiers: ClinVar variation 2423994 (VCV002423994.4).

ClinVar aggregate classification (germline): Pathogenic (1 of 4 stars; one submission).

Conditions:
Familial focal epilepsy with variable foci (FPEVF). Identifiers: Orphanet 98820, MedGen C1858477, MONDO:0020310.

Submission:

Labcorp Genetics (formerly Invitae), Labcorp
Classification: Pathogenic for Familial focal epilepsy with variable foci. Last evaluated: 2022-07-09. Review status: criteria provided, single submitter. Criteria: Invitae Variant Classification Sherloc (09022015). Collection method: clinical testing. Allele origin: germline.
Comment: For these reasons, this variant has been classified as Pathogenic. This variant has not been reported in the literature in individuals affected with DEPDC5-related conditions. This variant is a gross deletion of the genomic region encompassing exon(s) 2-8 of the DEPDC5 gene, which includes the initiator codon. This deletion extends beyond the assayed region for this gene and therefore may encompass additional genes. It is expected to result in an absent or disrupted protein product. Loss-of-function variants in DEPDC5 are known to be pathogenic (PMID: 23542697, 23542701).

Literature cited by the submitters: PubMed 23542697; PubMed 23542701.